The following is an entry in ClinVar:

ClinVar aggregate classification (germline): Uncertain significance. Review status: criteria provided, multiple submitters, no conflicts (2 of 4 stars). 3 submissions from 3 submitters: Uncertain significance (3). Last evaluated 2025-03-24.

Conditions:
Familial melanoma. Also called: Hereditary melanoma; Hereditary cutaneous melanoma. Identifiers: Orphanet 618, MedGen C1512419, MONDO:0018961.
Hereditary cancer-predisposing syndrome. Also called: Tumor predisposition; Hereditary Cancer Syndrome; Neoplastic Syndromes, Hereditary; Hereditary neoplastic syndrome. Identifiers: Orphanet 140162, MedGen C0027672, MeSH D009386, MONDO:0015356.

Allele frequency attached by ClinVar (database versions not stated): gnomAD 0.00001; TOPMed 0.00002.
gnomAD v4.1: 3 of 1,603,784 alleles (0.00019%); highest among the groups gnomAD compares: Non-Finnish European, 0.00025%; no homozygotes.

Submissions (3):

Ambry Genetics
Classification: Uncertain significance for Hereditary cancer-predisposing syndrome. Last evaluated: 2025-03-24. Review status: criteria provided, single submitter. Criteria: Ambry Variant Classification Scheme 2023. Collection method: clinical testing. Allele origin: germline.
Comment: The p.T79N variant (also known as c.236C>A), located in coding exon 2 of the CDKN2A gene, results from a C to A substitution at nucleotide position 236. The threonine at codon 79 is replaced by asparagine, an amino acid with similar properties. Of note, this variant is also known as c.279C>A p.(H93Q) in the p14(ARF) isoform. This amino acid position is not well conserved in available vertebrate species. In addition, the in silico prediction for this alteration is inconclusive. Based on the available evidence, the clinical significance of this variant remains unclear.

Labcorp Genetics (formerly Invitae), Labcorp
Classification: Uncertain significance for Familial melanoma. Last evaluated: 2022-10-31. Review status: criteria provided, single submitter. Criteria: Invitae Variant Classification Sherloc (09022015). Collection method: clinical testing. Allele origin: germline.
Comment: This variant has not been reported in the literature in individuals affected with CDKN2A (p16INK4a)-related conditions. In summary, the available evidence is currently insufficient to determine the role of this variant in disease. Therefore, it has been classified as a Variant of Uncertain Significance. Algorithms developed to predict the effect of missense changes on protein structure and function are either unavailable or do not agree on the potential impact of this missense change (SIFT: "Deleterious"; PolyPhen-2: "Possibly Damaging"; Align-GVGD: "Class C0"). ClinVar contains an entry for this variant (Variation ID: 491570). This variant is also known as c.279C>A (p.His93Gln) in the CDKN2A (p14ARF) transcript. This variant is not present in population databases (gnomAD no frequency). This sequence change replaces threonine, which is neutral and polar, with asparagine, which is neutral and polar, at codon 79 of the CDKN2A (p16INK4a) protein (p.Thr79Asn). The CDKN2A gene encodes two different proteins, p16INK4a and p14ARF, which are translated from alternative transcripts with different open reading frames. Both transcripts have been analyzed. We report either the variant with the higher classification or default to the CDKN2A (p16INK4a) variant. This report therefore includes the details for the CDKN2A (p16INK4a) variant.

Color Diagnostics, LLC DBA Color Health
Classification: Uncertain significance for Hereditary cancer-predisposing syndrome. Last evaluated: 2018-09-02. Review status: criteria provided, single submitter. Criteria: ACMG Guidelines, 2015. Collection method: clinical testing. Allele origin: germline.

NM_000077.5(CDKN2A):c.236C>A (p.Thr79Asn)

Gene: CDKN2A (cyclin dependent kinase inhibitor 2A; minus strand). Cytogenetic location: 9p21.3.
Variant type: single nucleotide variant.
Coding change: c.236C>A on transcript NM_000077.5; coding-DNA position 236, C replaced by A.
Protein change: p.Thr79Asn; replaces threonine 79 with asparagine.
Molecular consequence: missense variant (on NM_000077.6). On other transcripts: 3 prime UTR variant (1).
Genome position (GRCh38, 1-based): chr9:21,971,123, G>T on the plus strand (C>A on the coding strand, the complement: CDKN2A is on the minus strand). VCF-style: chr9-21971123-G-T. GRCh37 (hg19) VCF-style: chr9-21971122-G-T.
Other names: c.236C>A, p.Thr79Asn (NM_000077.6, NM_001195132.2); c.83C>A, p.Thr28Asn (NM_001363763.2); c.279C>A, p.His93Gln (NM_058195.4); c.*159C>A (NM_058197.5); short protein forms H93Q, T79N, T28N.
Identifiers: ClinVar variation 491570 (VCV000491570.17), dbSNP rs1034265990, ClinGen allele CA190730210.
Genomic context (GRCh38, chr9:21,971,123, plus strand): 5'-CGGTGCAGCACCACCAGCGTGTCCAGGAAGCCCTCCCGGGCAGCGTCGTGCACGGGTCGG[G>T]TGAGAGTGGCGGGGTCGGCGCAGTTGGGCTCCGCGCCGTGGAGCAGCAGCAGCTCCGCCA-3'
Protein context (NP_000068.1, residues 69-89): EPNCADPATL[Thr79Asn]RPVHDAAREG